The following is an entry in ClinVar:

NM_030665.4(RAI1):c.5711G>A (p.Arg1904Lys)

Gene: RAI1 (retinoic acid induced 1; plus strand). Cytogenetic location: 17p11.2.
Variant type: single nucleotide variant.
Coding change: c.5711G>A on transcript NM_030665.4 (MANE Select); coding-DNA position 5711, G replaced by A.
Protein change: p.Arg1904Lys; replaces arginine 1904 with lysine.
Molecular consequence: missense variant.
Genome position (GRCh38, 1-based): chr17:17,809,971, G>A. VCF-style: chr17-17809971-G-A. GRCh37 (hg19) VCF-style: chr17-17713285-G-A.
Other names: c.5711G>A (NM_030665.3); short protein forms R1904K.
Identifiers: ClinVar variation 2672692 (VCV002672692.24), dbSNP rs1197598241, ClinGen allele CA398560354.

ClinVar aggregate classification (germline): Conflicting classifications of pathogenicity. Review status: criteria provided, conflicting classifications (1 of 4 stars). 3 submissions from 3 submitters: Uncertain significance (1); Likely benign (1). 1 of the submissions does not count toward it. Last evaluated 2026-07-23.

Conditions:
Inborn genetic diseases. Identifiers: MedGen C0950123, MeSH D030342.
RAI1-related disorder. Also called: RAI1-related condition.

Allele frequency attached by ClinVar (database versions not stated): gnomAD 0.00001; gnomAD exomes 0.00001; TOPMed 0.00001.
gnomAD v4.1: 9 of 1,553,622 alleles (0.00058%); highest among the groups gnomAD compares: African/African-American, 0.0027%; no homozygotes.

Submissions (3):

Ambry Genetics
Classification: Uncertain significance for Inborn genetic diseases. Last evaluated: 2026-07-23. Review status: criteria provided, single submitter. Criteria: Ambry Variant Classification Scheme 2023. Collection method: clinical testing. Allele origin: germline.

CeGaT Center for Human Genetics Tuebingen
Classification: Likely benign. Last evaluated: 2023-11-01. Review status: criteria provided, single submitter. Criteria: CeGaT Center For Human Genetics Tuebingen Variant Classification Criteria Version 2. Collection method: clinical testing. Allele origin: germline. Affected: yes. Observed: 1 variant allele.
Comment: RAI1: BP4

PreventionGenetics, part of Exact Sciences
Classification: Uncertain significance for RAI1-related condition. Last evaluated: 2024-08-21. Review status: no assertion criteria provided. Collection method: clinical testing. Allele origin: germline. Not counted in ClinVar's aggregate classification.
Comment: The RAI1 c.5711G>A variant is predicted to result in the amino acid substitution p.Arg1904Lys. To our knowledge, this variant has not been reported in the literature or in a large population database, indicating this variant is rare. At this time, the clinical significance of this variant is uncertain due to the absence of conclusive functional and genetic evidence.